The following is an entry in ClinVar:

NM_206933.4(USH2A):c.12316G>A (p.Gly4106Arg)

Gene: USH2A (usherin; minus strand). Cytogenetic location: 1q41.
Variant type: single nucleotide variant.
Coding change: c.12316G>A on transcript NM_206933.4 (MANE Select); coding-DNA position 12316, G replaced by A.
Protein change: p.Gly4106Arg; replaces glycine 4106 with arginine.
Molecular consequence: missense variant.
Genome position (GRCh38, 1-based): chr1:215,675,595, C>T on the plus strand (G>A on the coding strand, the complement: USH2A is on the minus strand). VCF-style: chr1-215675595-C-T. GRCh37 (hg19) VCF-style: chr1-215848937-C-T.
Other names: c.12316G>A (NM_206933.2); short protein forms G4106R.
Identifiers: ClinVar variation 1520801 (VCV001520801.5), dbSNP rs1174206381, ClinGen allele CA344851290.
Genomic context (GRCh38, chr1:215,675,595, plus strand): 5'-TGAAAGGATCCAGGCGGCGGAAGAGAAACTGACGATTCAAACCAGAGTACTCCAGGAACC[C>T]GTCACTGAAGATGTTGTATGTCTACAGAAGGACAGAAGCAAAAGGGATAACTTGCAGCAT-3'
Protein context (NP_996816.3, residues 4096-4116): VIKTYNIFSD[Gly4106Arg]FLEYSGLNRQ

ClinVar aggregate classification (germline): Uncertain significance. Review status: criteria provided, multiple submitters, no conflicts (2 of 4 stars). 5 submissions from 4 submitters: Uncertain significance (5). Last evaluated 2025-09-16.

Conditions:
Retinitis pigmentosa 39 (RP39). Identifiers: Orphanet 791, MedGen C3151138, MONDO:0013436, OMIM 613809.
Usher syndrome type 2A. Also called: RETINAL DISEASE IN USHER SYNDROME TYPE IIA, MODIFIER OF; USHER SYNDROME, TYPE IIA. Identifiers: Orphanet 231178, Orphanet 886, MedGen C1848634, MONDO:0010169, OMIM 276901.
USH2A-related disorder. Also called: USH2A-related condition; USH2A-related disorders. Identifiers: MedGen CN239332.

Allele frequency attached by ClinVar (database versions not stated): gnomAD 0.00001; TOPMed 0.00002.
gnomAD v4.1: 8 of 1,613,936 alleles (0.0005%); highest among the groups gnomAD compares: East Asian, 0.0067%; no homozygotes.

Submissions (5):

PreventionGenetics, part of Exact Sciences
Classification: Uncertain significance for USH2A-related condition. Last evaluated: 2025-09-16. Review status: criteria provided, single submitter. Criteria: ACMG Guidelines, 2015. Collection method: clinical testing. Allele origin: germline.
Comment: The USH2A c.12316G>A variant is predicted to result in the amino acid substitution p.Gly4106Arg. This variant has been reported in the compound heterozygous state in a newborn with normal hearing at birth; however, the hearing status of the child at later ages was not available (Table S5, Hao et al. 2024. PubMed ID: 39443691). This variant has not been reported in a large population database (gnomAD), indicating this variant is rare. At this time, the clinical significance of this variant is uncertain due to the absence of conclusive functional and genetic evidence.

Genome-Nilou Lab
Classification: Uncertain significance for Retinitis pigmentosa 39. Last evaluated: 2023-11-04. Review status: criteria provided, single submitter. Criteria: ACMG Guidelines, 2015. Collection method: clinical testing. Allele origin: germline. Affected: no.

Genome-Nilou Lab
Classification: Uncertain significance for Usher syndrome type 2A. Last evaluated: 2023-11-04. Review status: criteria provided, single submitter. Criteria: ACMG Guidelines, 2015. Collection method: clinical testing. Allele origin: germline. Affected: no.

Labcorp Genetics (formerly Invitae), Labcorp
Classification: Uncertain significance. Last evaluated: 2022-10-13. Review status: criteria provided, single submitter. Criteria: Invitae Variant Classification Sherloc (09022015). Collection method: clinical testing. Allele origin: germline.
Comment: This sequence change replaces glycine, which is neutral and non-polar, with arginine, which is basic and polar, at codon 4106 of the USH2A protein (p.Gly4106Arg). This variant is not present in population databases (gnomAD no frequency). This variant has not been reported in the literature in individuals affected with USH2A-related conditions. ClinVar contains an entry for this variant (Variation ID: 1520801). Advanced modeling of protein sequence and biophysical properties (such as structural, functional, and spatial information, amino acid conservation, physicochemical variation, residue mobility, and thermodynamic stability) performed at Invitae indicates that this missense variant is not expected to disrupt USH2A protein function. In summary, the available evidence is currently insufficient to determine the role of this variant in disease. Therefore, it has been classified as a Variant of Uncertain Significance.

Fulgent Genetics
Classification: Uncertain significance for Usher syndrome type 2A; Retinitis pigmentosa 39. Last evaluated: 2022-04-29. Review status: criteria provided, single submitter. Criteria: ACMG Guidelines, 2015. Collection method: clinical testing. Allele origin: unknown.